The following continues an entry in ClinVar:

NM_001171.6(ABCC6):c.3421C>T (p.Arg1141Ter)

Gene: ABCC6. ClinVar aggregate classification (germline): Pathogenic. Pathogenic (32).

Submissions 9 to 25 of 42:

Variantyx, Inc.
Classification: Pathogenic for Autosomal recessive inherited pseudoxanthoma elasticum. Last evaluated: 2025-11-25. Review status: criteria provided, single submitter. Criteria: Variantyx Assertion Criteria 2022. Collection method: clinical testing. Allele origin: germline. Inheritance: Autosomal recessive inheritance. Affected: no.
Comment: This is a nonsense variant in the ABCC6 gene (OMIM: 603234). Pathogenic variants in this gene have been associated with autosomal recessive pseudoxanthoma elasticum. The alteration introduces a premature termination codon in exon 24 out of 31 and is expected to result in loss of function, which is a known disease mechanism for ABCC6 in this disorder (PMID: 11536079, 17617515, 12714611) (PVS1). It has been reported in the homozygous or compound heterozygous state in many unrelated affected individuals (PMID: 12714611, 10811882, 11536079, 23675997) (PM3), and it has a 0.1943% maximum allele frequency in non-founder control populations. Based on the current evidence, this variant is classified as pathogenic for autosomal recessive pseudoxanthoma elasticum.

Rare Kidney Stone Consortium and the Mayo Clinic Hyperoxaluria Center, Mayo Clinic
Classification: Pathogenic for Arterial calcification, generalized, of infancy, 2; Autosomal recessive inherited pseudoxanthoma elasticum; Pseudoxanthoma elasticum, forme fruste. Last evaluated: 2025-10-03. Review status: criteria provided, single submitter. Criteria: ACMG Guidelines, 2015. Collection method: research. Allele origin: germline. Affected: yes. Observed: 2 variant alleles.
Comment: ACMG:PVS1, PM2, PP3, PP5

North West Genomic Laboratory Hub, Manchester University NHS Foundation Trust
Classification: Pathogenic for Retinal disorders. Last evaluated: 2025-09-17. Review status: criteria provided, single submitter. Criteria: ACGS Best Practice Guidelines for Variant Classification in Rare Disease 2024. Collection method: clinical testing. Allele origin: germline. Affected: yes.
Comment: PVS1_VStr PM3_VStr

Revvity Omics, Revvity
Classification: Pathogenic. Last evaluated: 2025-06-09. Review status: criteria provided, single submitter. Criteria: ACMG Guidelines, 2015. Collection method: clinical testing. Allele origin: germline.

First Genomix Gene Laboratory, Genetic Diagnostics Department
Classification: Pathogenic for Arterial calcification, generalized, of infancy, 2; Autosomal recessive inherited pseudoxanthoma elasticum. Last evaluated: 2025-06-04. Review status: criteria provided, single submitter. Criteria: ACMG Guidelines, 2015. Collection method: clinical testing. Allele origin: germline. Inheritance: Autosomal recessive inheritance. Affected: no. Observed: 1 variant allele.

Blueprint Genetics
Classification: Pathogenic for ABCC6-related disorders. Last evaluated: 2024-11-14. Review status: criteria provided, single submitter. Criteria: ACMG Guidelines, 2015. Collection method: clinical testing. Allele origin: germline. Affected: yes. Observed: 5 variant alleles.

Institute of Human Genetics, University of Leipzig Medical Center
Classification: Pathogenic for Autosomal recessive inherited pseudoxanthoma elasticum. Last evaluated: 2024-09-04. Review status: criteria provided, single submitter. Criteria: ACMG Guidelines, 2015. Collection method: clinical testing. Allele origin: unknown. Inheritance: Autosomal recessive inheritance. Affected: yes.
Comment: Criteria applied: PVS1,PM3_STR,PP4; Identified as compund heterozygous with NM_001171.6:c.3413G>A

Johns Hopkins Genomics, Johns Hopkins University
Classification: Pathogenic for Autosomal recessive inherited pseudoxanthoma elasticum. Last evaluated: 2024-08-12. Review status: criteria provided, single submitter. Criteria: ACMG Guidelines, 2015. Collection method: clinical testing. Allele origin: germline.
Comment: This ABCC6 variant has been reported in the homozygous or compound heterozygous state in unrelated patients with pseudoxanthoma elasticum and shown to co-segregate with disease. The variant has also been identified in the compound heterozygous state in patients with generalized arterial calcification of infancy 2. This variant (rs72653706) is present in a large population dataset (gnomAD v4.1.0: 2603/1613922 total alleles; 0.2%; 5 homozygotes), and has been reported in ClinVar (Variation ID 6559). This nonsense variant results in a premature stop codon in exon 24 of 31 likely leading to nonsense-mediated decay and lack of protein production, which is supported by experimental studies performed on cells derived from patients with pseudoxanthoma elasticum. We consider c.3421C>T in ABCC6 to be pathogenic.

Institute of Human Genetics, Heidelberg University
Classification: Pathogenic for Autosomal recessive inherited pseudoxanthoma elasticum. Last evaluated: 2024-03-08. Review status: criteria provided, single submitter. Criteria: ACMG Guidelines, 2015. Collection method: clinical testing. Allele origin: unknown. Affected: no.
Comment: heterozygous carrier

Breakthrough Genomics
Classification: Pathogenic for Autosomal recessive inherited pseudoxanthoma elasticum. Last evaluated: 2023-08-04. Review status: criteria provided, single submitter. Criteria: ACMG Guidelines, 2015. Collection method: clinical testing. Allele origin: germline. Affected: yes.
Comment: This variant is predicted to cause a premature termination of the protein and the resultant protein will probably lack part of the ABC transmembrane type-1 domain and the entire ABC transporter 2 domain of the protein [UniProt]; this will likely result in loss-of-function. Due to the introduction of a premature stop codon, this aberrant transcript will likely be targeted by the nonsense-mediated mRNA decay (NMD) mechanism [PMID: 15040442]. The identified variant was previously reported in individuals with pseudoxanthoma elasticum and observed to segregate with disease in related individuals [PMID: 10835642, 12714611, 17617515, 22209248, 26982014]. Loss-of-function variants in ABCC6 are known to be pathogenic [PMID: 11536079, 17617515].

Baylor Genetics
Classification: Pathogenic for Arterial calcification, generalized, of infancy, 2. Last evaluated: 2023-06-30. Review status: criteria provided, single submitter. Criteria: ACMG Guidelines, 2015. Collection method: clinical testing. Allele origin: unknown.

Department of Pathology and Laboratory Medicine, Sinai Health System
Classification: Pathogenic for Arterial calcification, generalized, of infancy, 2; Pseudoxanthoma elasticum, forme fruste; Autosomal recessive inherited pseudoxanthoma elasticum. Last evaluated: 2023-05-23. Review status: criteria provided, single submitter. Criteria: ACMG Guidelines, 2015. Collection method: research. Allele origin: germline.

Clinical Genetics Laboratory, Skane University Hospital Lund
Classification: Pathogenic. Last evaluated: 2023-02-16. Review status: criteria provided, single submitter. Criteria: ACMG Guidelines, 2015. Collection method: clinical testing. Allele origin: germline. Affected: yes.

Greenwood Genetic Center Diagnostic Laboratories, Greenwood Genetic Center
Classification: Pathogenic for ABCC6-related disorder. Last evaluated: 2022-08-30. Review status: criteria provided, single submitter. Criteria: ACMG Guidelines, 2015. Collection method: clinical testing. Allele origin: germline. Affected: yes.
Comment: PVS1, PS3, PM3_Strong

Victorian Clinical Genetics Services, Murdoch Childrens Research Institute
Classification: Pathogenic for Autosomal recessive inherited pseudoxanthoma elasticum. Last evaluated: 2022-06-24. Review status: criteria provided, single submitter. Criteria: ACMG Guidelines, 2015. Collection method: clinical testing. Allele origin: germline. Inheritance: Autosomal recessive inheritance. Affected: yes.
Comment: Based on the classification scheme VCGS_Germline_v1.3.4, this variant is classified as Pathogenic. Following criteria are met: 0102 - Loss of function is a known mechanism of disease in this gene and is associated with generalized infantile arterial calcification 2 (MIM#614473), pseudoxanthoma elasticum (MIM#264800) and forme fruste pseudoxanthoma elasticum (MIM#177850). (I) 0106 - This gene is associated with autosomal recessive disease. OIder publications suggest dominant disease (OMIM). (I) 0115 - Variants in this gene are known to have variable expressivity. Intrafamilial variability with age-dependent severity has been well reported (PMID: 28102862). (I) 0201 - Variant is predicted to cause nonsense-mediated decay (NMD) and loss of protein (premature termination codon is located at least 54 nucleotides upstream of the final exon-exon junction). (SP) 0251 - This variant is heterozygous. (I) 0304 - Variant is present in gnomAD (v2) <0.01 for a recessive condition (396 heterozygotes, 0 homozygotes). (SP) 0701 - Other NMD-predicted variants comparable to the one identified in this case have very strong previous evidence for pathogenicity. Many of these variants have been reported times as pathogenic, and are reported in many individuals with pseudoxanthoma elasticum or generalized arterial calcification (Decipher). (SP) 0801 - This variant has strong previous evidence of pathogenicity in unrelated individuals. This variant has been reported many times as pathogenic, in both homozygous or compound heterozygous individuals with pseudoxanthoma elasticum or generalized arterial calcification of infancy. It represents one of the most common variants within Caucasian populations (ClinVar, PMID: 28102862). (SP) 1102 - Strong phenotype match for this individual. (I) Legend: (SP) - Supporting pathogenic, (I) - Information, (SB) - Supporting benign

GeneDx
Classification: Pathogenic. Last evaluated: 2022-03-28. Review status: criteria provided, single submitter. Criteria: GeneDx Variant Classification Process June 2021. Collection method: clinical testing. Allele origin: germline. Affected: yes.
Comment: Nonsense variant predicted to result in protein truncation or nonsense mediated decay in a gene for which loss-of-function is a known mechanism of disease; Expression studies of the R1141X variant in leukocytes and cultured fibroblasts from affected individuals homozygous for R1141X demonstrate mRNA instability and absence of the protein in immunohistochemistry studies (Hu et al., 2003); Early speculation that heterozygosity for R1141X may increase the risk of coronary artery disease has not been confirmed in a large cohort study (Trip et al., 2002; Hornstrup et al., 2011).; This variant is associated with the following publications: (PMID: 29800625, 29709427, 31646622, 32646269, 22209248, 12176944, 19929409, 10835643, 25525159, 24352041, 12714611, 23746223, 27133371, 10811882, 23675997, 16086317, 21831958, 26982014, 16854481, 16384891, 16133423, 14631379, 24008425, 28102862, 18800149, 12384774, 30206659, 29722917, 30985656, 31980526, 34440381, 33812167, 34426522, 31589614, 33726816)

MGZ Medical Genetics Center
Classification: Pathogenic for Autosomal recessive inherited pseudoxanthoma elasticum. Last evaluated: 2022-03-09. Review status: criteria provided, single submitter. Criteria: ACMG Guidelines, 2015. Collection method: clinical testing. Allele origin: germline. Affected: yes. Observed: 1 variant allele.
Comment: ACMG criteria applied: PVS1, PS4, PM3_STR, PP1_MOD